The following is an entry in ClinVar:

ClinVar aggregate classification (germline): Uncertain significance (1 of 4 stars; one submission).

Conditions:
Epidermolysis bullosa simplex with nail dystrophy (EBS5D). Identifiers: MedGen C4225309, MONDO:0014661, OMIM 616487.
Epidermolysis bullosa simplex 5C, with pyloric atresia (EBS5C). Also called: PLEC-Related Epidermolysis Bullosa with Pyloric Atresia; Epidermolysis bullosa simplex with pyloric atresia; PLEC1-Related Epidermolysis Bullosa with Pyloric Atresia. Identifiers: Orphanet 158684, MedGen C2677349, MONDO:0012807, OMIM 612138.
Autosomal recessive limb-girdle muscular dystrophy type 2Q (LGMDR17). Also called: MUSCULAR DYSTROPHY, LIMB-GIRDLE, AUTOSOMAL RECESSIVE 17. Identifiers: Orphanet 254361, MedGen C3150989, MONDO:0013390, OMIM 613723.
Epidermolysis bullosa simplex, Ogna type (EBS5A). Also called: Pidermolysis bullosa simplex 5A, Ogna type; EPIDERMOLYSIS BULLOSA SIMPLEX 5A, OGNA TYPE. Identifiers: Orphanet 79401, MedGen C0432317, MONDO:0007555, OMIM 131950.
Epidermolysis bullosa simplex 5B, with muscular dystrophy (EBS5B). Also called: EPIDERMOLYSIS BULLOSA SIMPLEX AND LIMB-GIRDLE MUSCULAR DYSTROPHY; Epidermolysis bullosa simplex with muscular dystrophy. Identifiers: Orphanet 257, MedGen C2931072, MONDO:0009181, OMIM 226670.

Submission:

Labcorp Genetics (formerly Invitae), Labcorp
Classification: Uncertain significance for Autosomal recessive limb-girdle muscular dystrophy type 2Q; Epidermolysis bullosa simplex, Ogna type; Epidermolysis bullosa simplex with nail dystrophy; Epidermolysis bullosa simplex 5C, with pyloric atresia; Epidermolysis bullosa simplex 5B, with muscular dystrophy. Last evaluated: 2023-04-20. Review status: criteria provided, single submitter. Criteria: Invitae Variant Classification Sherloc (09022015). Collection method: clinical testing. Allele origin: germline.
Comment: In summary, the available evidence is currently insufficient to determine the role of this variant in disease. Therefore, it has been classified as a Variant of Uncertain Significance. An algorithm developed to predict the effect of missense changes on protein structure and function (PolyPhen-2) suggests that this variant is likely to be disruptive. This sequence change replaces histidine, which is basic and polar, with tyrosine, which is neutral and polar, at codon 2197 of the PLEC protein (p.His2197Tyr). This variant has not been reported in the literature in individuals affected with PLEC-related conditions. The frequency data for this variant in the population databases is considered unreliable, as metrics indicate poor data quality at this position in the gnomAD database.

NM_201384.3(PLEC):c.6508C>T (p.His2170Tyr)

Gene: PLEC (plectin; minus strand). Cytogenetic location: 8q24.3.
Variant type: single nucleotide variant.
Coding change: c.6508C>T on transcript NM_201384.3 (MANE Select); coding-DNA position 6508, C replaced by T.
Protein change: p.His2170Tyr; replaces histidine 2170 with tyrosine.
Molecular consequence: missense variant. On other transcripts: intron variant (1).
Genome position (GRCh38, 1-based): chr8:143,923,421, G>A on the plus strand (C>T on the coding strand, the complement: PLEC is on the minus strand). VCF-style: chr8-143923421-G-A. GRCh37 (hg19) VCF-style: chr8-144997589-G-A.
Other names: c.6589C>T, p.His2197Tyr (NM_000445.5); c.6466C>T, p.His2156Tyr (NM_201378.4); c.6442C>T, p.His2148Tyr (NM_201379.3); c.6919C>T, p.His2307Tyr (NM_201380.4); c.6412C>T, p.His2138Tyr (NM_201381.3); c.6508C>T, p.His2170Tyr (NM_201382.4); c.6520C>T, p.His2174Tyr (NM_201383.3); c.4126-1026C>T (NM_001410941.1); short protein forms H2197Y, H2148Y, H2156Y, H2170Y, H2174Y, H2138Y, H2307Y.
Identifiers: ClinVar variation 2938165 (VCV002938165.3), dbSNP rs1554692307, ClinGen allele CA372533698.